The following is an entry in ClinVar:

ClinVar aggregate classification (germline): Likely pathogenic (1 of 4 stars; one submission).

Submission:

Labcorp Genetics (formerly Invitae), Labcorp
Classification: Likely pathogenic. Last evaluated: 2023-10-04. Review status: criteria provided, single submitter. Criteria: Invitae Variant Classification Sherloc (09022015). Collection method: clinical testing. Allele origin: germline.
Comment: This sequence change replaces arginine, which is basic and polar, with lysine, which is basic and polar, at codon 1723 of the MYO7A protein (p.Arg1723Lys). This variant also falls at the last nucleotide of exon 37, which is part of the consensus splice site for this exon. This variant is not present in population databases (gnomAD no frequency). This missense change has been observed in individual(s) with Usher syndrome (PMID: 33576794). In at least one individual the data is consistent with being in trans (on the opposite chromosome) from a pathogenic variant. ClinVar contains an entry for this variant (Variation ID: 1969984). An algorithm developed to predict the effect of missense changes on protein structure and function (PolyPhen-2) suggests that this variant is likely to be tolerated. Variants that disrupt the consensus splice site are a relatively common cause of aberrant splicing (PMID: 17576681, 9536098). Algorithms developed to predict the effect of sequence changes on RNA splicing suggest that this variant may disrupt the consensus splice site. This variant disrupts the c.5168G nucleotide in the MYO7A gene. Other variant(s) that disrupt this nucleotide have been determined to be pathogenic (PMID: 23770805). This suggests that this nucleotide is clinically significant, and that variants that disrupt this position are likely to be disease-causing. In summary, the currently available evidence indicates that the variant is pathogenic, but additional data are needed to prove that conclusively. Therefore, this variant has been classified as Likely Pathogenic.

Literature cited by the submitters: PubMed 33576794; PubMed 17576681; PubMed 9536098; PubMed 23770805.

NM_000260.4(MYO7A):c.5168G>A (p.Arg1723Lys)

Gene: MYO7A (myosin VIIA; plus strand). Cytogenetic location: 11q13.5.
Variant type: single nucleotide variant.
Coding change: c.5168G>A on transcript NM_000260.4 (MANE Select); coding-DNA position 5168, G replaced by A.
Protein change: p.Arg1723Lys; replaces arginine 1723 with lysine.
Molecular consequence: missense variant.
Genome position (GRCh38, 1-based): chr11:77,202,424, G>A. VCF-style: chr11-77202424-G-A. GRCh37 (hg19) VCF-style: chr11-76913469-G-A.
Other names: c.5054G>A, p.Arg1685Lys (NM_001127180.2); c.5021G>A, p.Arg1674Lys (NM_001369365.1); short protein forms R1674K, R1685K, R1723K.
Identifiers: ClinVar variation 1969984 (VCV001969984.5), dbSNP rs2497650830, ClinGen allele CA381951910.